The following is an entry in ClinVar:

NM_007194.4(CHEK2):c.350G>C (p.Arg117Thr)

Gene: CHEK2 (checkpoint kinase 2; minus strand). Cytogenetic location: 22q12.1.
Variant type: single nucleotide variant.
Coding change: c.350G>C on transcript NM_007194.4 (MANE Select); coding-DNA position 350, G replaced by C.
Protein change: p.Arg117Thr; replaces arginine 117 with threonine.
Molecular consequence: missense variant.
Genome position (GRCh38, 1-based): chr22:28,725,337, C>G on the plus strand (G>C on the coding strand, the complement: CHEK2 is on the minus strand). VCF-style: chr22-28725337-C-G. GRCh37 (hg19) VCF-style: chr22-29121325-C-G.
Other names: c.479G>C, p.Arg160Thr (NM_001005735.3); c.-428G>C (NM_001257387.3); c.350G>C, p.Arg117Thr (NM_001349956.3, NM_145862.3); short protein forms R117T, R160T.
Identifiers: ClinVar variation 1732149 (VCV001732149.2), dbSNP rs587781982, ClinGen allele CA411108196.

ClinVar aggregate classification (germline): Uncertain significance (1 of 4 stars; one submission).

Conditions:
Hereditary cancer-predisposing syndrome. Also called: Neoplastic Syndromes, Hereditary; Tumor predisposition; Hereditary Cancer Syndrome; Hereditary neoplastic syndrome. Identifiers: Orphanet 140162, MedGen C0027672, MeSH D009386, MONDO:0015356.

Submission:

Ambry Genetics
Classification: Uncertain significance for Hereditary cancer-predisposing syndrome. Last evaluated: 2019-11-05. Review status: criteria provided, single submitter. Criteria: Ambry Variant Classification Scheme 2023. Collection method: clinical testing. Allele origin: germline.
Comment: The p.R117T variant (also known as c.350G>C), located in coding exon 2 of the CHEK2 gene, results from a G to C substitution at nucleotide position 350. The arginine at codon 117 is replaced by threonine, an amino acid with similar properties. This amino acid position is highly conserved in available vertebrate species. In addition, this alteration is predicted to be deleterious by in silico analysis. Since supporting evidence is limited at this time, the clinical significance of this alteration remains unclear.